The following is an entry in ClinVar:

ClinVar aggregate classification (germline): Likely pathogenic (1 of 4 stars; one submission).

Submission:

GeneDx
Classification: Likely pathogenic. Last evaluated: 2017-07-12. Review status: criteria provided, single submitter. Criteria: GeneDx Variant Classification (06012015). Collection method: clinical testing. Allele origin: germline. Affected: yes.
Comment: Although the c.8360dupT likely pathogenic variant in the FBN1 gene has not been reported to our knowledge, this variant causes a shift in reading frame starting at codon Threonine 2788, changing it to an Aspartic Acid, and creating a premature stop codon at position 13 of the new reading frame, denoted p.Thr2788AspfsX13. This variant is expected to result in an abnormal truncated protein where the last 84 amino acids are replaced with 12 incorrect amino acids. Other frameshift variants in the FBN1 gene have been reported in Human Gene Mutation Database in association with Marfan syndrome (Stenson et al., 2014). Furthermore, the c.8360dupT variant has not been observed in large population cohorts (Lek et al., 2016; 1000 Genomes Consortium et al., 2015; Exome Variant Server). In summary, c.8360dupT in the FBN1 gene is interpreted as a likely pathogenic variant.

NM_000138.5(FBN1):c.8360dup (p.Thr2788fs)

Gene: FBN1 (fibrillin 1; minus strand). Cytogenetic location: 15q21.1.
Variant type: Duplication.
Coding change: c.8360dup on transcript NM_000138.5 (MANE Select); coding-DNA position 8360, one base duplicated (T; older notation c.8360dupT).
Protein change: p.Thr2788fs; shifts the reading frame from threonine 2788.
Molecular consequence: frameshift variant.
Genome position (GRCh38, 1-based): chr15:48,411,246, A duplicated on the plus strand (T on the coding strand, the reverse complement: FBN1 is on the minus strand). VCF-style (leftmost placement, unchanged base first): chr15-48411245-C-CA. GRCh37 (hg19) VCF-style: chr15-48703442-C-CA.
Other names: c.8360dupT (NM_000138.4); short protein forms T2788fs.
Identifiers: ClinVar variation 450496 (VCV000450496.2), dbSNP rs1555393548, ClinGen allele CA658656462.